The following is an entry in ClinVar:

ClinVar aggregate classification (germline): Benign/Likely benign. Review status: criteria provided, multiple submitters, no conflicts (2 of 4 stars). 6 submissions from 6 submitters: Benign (1); Likely benign (5). Last evaluated 2025-11-03.

Conditions:
Hereditary cancer-predisposing syndrome. Also called: Neoplastic Syndromes, Hereditary; Hereditary Cancer Syndrome; Hereditary neoplastic syndrome; Tumor predisposition. Identifiers: Orphanet 140162, MedGen C0027672, MeSH D009386, MONDO:0015356.
Familial thoracic aortic aneurysm and aortic dissection (TAAD). Also called: Thoracic aortic aneurysms and dissections. Identifiers: Orphanet 91387, MedGen C4707243, MONDO:0019625.
Juvenile polyposis syndrome (JPS). Identifiers: Orphanet 2929, MedGen C0345893, MONDO:0017380, OMIM 174900.
Juvenile polyposis/hereditary hemorrhagic telangiectasia syndrome (JPHT). Also called: POLYPOSIS, GENERALIZED JUVENILE, WITH PULMONARY ARTERIOVENOUS MALFORMATION; TELANGIECTASIA, HEREDITARY HEMORRHAGIC, WITH JUVENILE POLYPOSIS COLI; Juvenile Polyposis Syndrome / Hereditary Hemorrhagic Telangiectasia (JPS/HHT); JP/HHT SYNDROME; JUVENILE POLYPOSIS WITH HEREDITARY HEMORRHAGIC TELANGIECTASIA. Identifiers: Orphanet 2929, MedGen C1832942, MONDO:0008278, OMIM 175050.

Allele frequency attached by ClinVar (database versions not stated): gnomAD exomes below 0.00001; gnomAD 0.00001.
gnomAD v4.1: 5 of 1,613,884 alleles (0.00031%); highest among the groups gnomAD compares: East Asian, 0.0045%; no homozygotes.

Submissions (6):

Labcorp Genetics (formerly Invitae), Labcorp
Classification: Likely benign for Juvenile polyposis syndrome. Last evaluated: 2025-11-03. Review status: criteria provided, single submitter. Criteria: Invitae Variant Classification Sherloc (09022015). Collection method: clinical testing. Allele origin: germline.

Myriad Genetics, Inc.
Classification: Benign for Juvenile polyposis/hereditary hemorrhagic telangiectasia syndrome. Last evaluated: 2025-03-18. Review status: criteria provided, single submitter. Criteria: Myriad Autosomal Dominant, Autosomal Recessive and X-Linked Classification Criteria (2023). Collection method: clinical testing. Allele origin: unknown.
Comment: This variant is considered benign. This variant is a silent/synonymous amino acid change and it is not expected to impact splicing.

Department of Pathology and Laboratory Medicine, Sinai Health System
Classification: Likely benign for Juvenile polyposis syndrome. Last evaluated: 2024-03-07. Review status: criteria provided, single submitter. Criteria: ACMG Guidelines, 2015. Collection method: clinical testing. Allele origin: germline. Affected: yes.

All of Us Research Program, National Institutes of Health
Classification: Likely benign for Juvenile polyposis/hereditary hemorrhagic telangiectasia syndrome. Last evaluated: 2023-06-15. Review status: criteria provided, single submitter. Criteria: ACMG Guidelines, 2015. Collection method: clinical testing. Allele origin: germline. Inheritance: Autosomal dominant inheritance. Observed: 1 variant allele, 1 heterozygote.
Comment: This study involves interpretation of variants in research participants for the purpose of population health screening. Participant phenotype was not available at the time of variant classification. Additional details can be found in publication PMID: 35346344, PMCID: PMC8962531

Color Diagnostics, LLC DBA Color Health
Classification: Likely benign for Hereditary cancer-predisposing syndrome. Last evaluated: 2019-03-29. Review status: criteria provided, single submitter. Criteria: ACMG Guidelines, 2015. Collection method: clinical testing. Allele origin: germline.

Ambry Genetics
Classification: Likely benign for Hereditary cancer-predisposing syndrome; Familial thoracic aortic aneurysm and aortic dissection. Last evaluated: 2016-02-23. Review status: criteria provided, single submitter. Criteria: Ambry Variant Classification Scheme 2023. Collection method: clinical testing. Allele origin: germline.

NM_005359.6(SMAD4):c.336T>A (p.Val112=)

Gene: SMAD4 (SMAD family member 4; plus strand). Cytogenetic location: 18q21.2.
Variant type: single nucleotide variant.
Coding change: c.336T>A on transcript NM_005359.6 (MANE Select); coding-DNA position 336, T replaced by A.
Protein change: p.Val112=; no amino-acid change (valine 112 retained).
Molecular consequence: synonymous variant.
Genome position (GRCh38, 1-based): chr18:51,048,772, T>A. VCF-style: chr18-51048772-T-A. GRCh37 (hg19) VCF-style: chr18-48575142-T-A.
Identifiers: ClinVar variation 460548 (VCV000460548.21), dbSNP rs1328102060, ClinGen allele CA503873588.